The following is an entry in ClinVar:

ClinVar aggregate classification (germline): Uncertain significance. Review status: criteria provided, multiple submitters, no conflicts (2 of 4 stars). 3 submissions from 3 submitters: Uncertain significance (3). Last evaluated 2025-06-25.

Conditions:
BAP1-related tumor predisposition syndrome (TPDS1). Also called: TUMOR PREDISPOSITION SYNDROME 1; COMMON Syndrome; Tumor susceptibility linked to germline BAP1 mutations; BAP1 tumor predisposition syndrome. Identifiers: Orphanet 289539, MedGen C3280492, MONDO:0013692, OMIM 614327.
Hereditary cancer-predisposing syndrome. Also called: Hereditary neoplastic syndrome; Neoplastic Syndromes, Hereditary; Tumor predisposition; Hereditary Cancer Syndrome. Identifiers: Orphanet 140162, MedGen C0027672, MeSH D009386, MONDO:0015356.

Allele frequency attached by ClinVar (database versions not stated): gnomAD 0.00001.

Submissions (3):

Ambry Genetics
Classification: Uncertain significance for Hereditary cancer-predisposing syndrome. Last evaluated: 2025-06-25. Review status: criteria provided, single submitter. Criteria: Ambry Variant Classification Scheme 2023. Collection method: clinical testing. Allele origin: germline.
Comment: The p.R207W variant (also known as c.619C>T), located in coding exon 8 of the BAP1 gene, results from a C to T substitution at nucleotide position 619. The arginine at codon 207 is replaced by tryptophan, an amino acid with dissimilar properties. This amino acid position is highly conserved in available vertebrate species. In addition, the in silico prediction for this alteration is inconclusive. Based on the available evidence, the clinical significance of this variant remains unclear.

Labcorp Genetics (formerly Invitae), Labcorp
Classification: Uncertain significance for BAP1-related tumor predisposition syndrome. Last evaluated: 2024-04-30. Review status: criteria provided, single submitter. Criteria: Invitae Variant Classification Sherloc (09022015). Collection method: clinical testing. Allele origin: germline.
Comment: This sequence change replaces arginine, which is basic and polar, with tryptophan, which is neutral and slightly polar, at codon 207 of the BAP1 protein (p.Arg207Trp). This variant is not present in population databases (gnomAD no frequency). This variant has not been reported in the literature in individuals affected with BAP1-related conditions. ClinVar contains an entry for this variant (Variation ID: 942310). Advanced modeling of protein sequence and biophysical properties (such as structural, functional, and spatial information, amino acid conservation, physicochemical variation, residue mobility, and thermodynamic stability) performed at Invitae indicates that this missense variant is expected to disrupt BAP1 protein function with a positive predictive value of 80%. In summary, the available evidence is currently insufficient to determine the role of this variant in disease. Therefore, it has been classified as a Variant of Uncertain Significance.

GeneDx
Classification: Uncertain significance. Last evaluated: 2023-07-30. Review status: criteria provided, single submitter. Criteria: GeneDx Variant Classification Process June 2021. Collection method: clinical testing. Allele origin: germline. Affected: yes.
Comment: Not observed at significant frequency in large population cohorts (gnomAD); In silico analysis supports that this missense variant has a deleterious effect on protein structure/function; Has not been previously published as pathogenic or benign to our knowledge

NM_004656.4(BAP1):c.619C>T (p.Arg207Trp)

Gene: BAP1 (BRCA1 associated deubiquitinase 1; minus strand). Cytogenetic location: 3p21.1.
Variant type: single nucleotide variant.
Coding change: c.619C>T on transcript NM_004656.4 (MANE Select); coding-DNA position 619, C replaced by T.
Protein change: p.Arg207Trp; replaces arginine 207 with tryptophan.
Molecular consequence: missense variant.
Genome position (GRCh38, 1-based): chr3:52,406,869, G>A on the plus strand (C>T on the coding strand, the complement: BAP1 is on the minus strand). VCF-style: chr3-52406869-G-A. GRCh37 (hg19) VCF-style: chr3-52440885-G-A.
Other names: c.619C>T (NM_004656.2); short protein forms R207W.
Identifiers: ClinVar variation 942310 (VCV000942310.10), dbSNP rs1323972421, ClinGen allele CA353108996.